The following is an entry in ClinVar:

ClinVar aggregate classification (germline): Uncertain significance (1 of 4 stars; one submission).

Conditions:
Cardiovascular phenotype. Identifiers: MedGen CN230736.

Submission:

Ambry Genetics
Classification: Uncertain significance for Cardiovascular phenotype. Last evaluated: 2025-10-30. Review status: criteria provided, single submitter. Criteria: Ambry Variant Classification Scheme 2023. Collection method: clinical testing. Allele origin: germline.
Comment: The p.A556S variant (also known as c.1666G>T), located in coding exon 11 of the CBL gene, results from a G to T substitution at nucleotide position 1666. The alanine at codon 556 is replaced by serine, an amino acid with similar properties. This amino acid position is conserved. In addition, this alteration is predicted to be tolerated by in silico analysis. Based on the available evidence, the clinical significance of this variant remains unclear.

NM_005188.4(CBL):c.1666G>T (p.Ala556Ser)

Gene: CBL (Cbl proto-oncogene; plus strand). Cytogenetic location: 11q23.3.
Variant type: single nucleotide variant.
Coding change: c.1666G>T on transcript NM_005188.4 (MANE Select); coding-DNA position 1666, G replaced by T.
Protein change: p.Ala556Ser; replaces alanine 556 with serine.
Molecular consequence: missense variant.
Genome position (GRCh38, 1-based): chr11:119,285,291, G>T. VCF-style: chr11-119285291-G-T. GRCh37 (hg19) VCF-style: chr11-119156001-G-T.
Other names: short protein forms A556S.
Identifiers: ClinVar variation 4613853 (VCV004613853.1).